The following is an entry in ClinVar:

NM_022436.3(ABCG5):c.78G>T (p.Glu26Asp)

Gene: ABCG5 (ATP binding cassette subfamily G member 5; minus strand). Cytogenetic location: 2p21.
Variant type: single nucleotide variant.
Coding change: c.78G>T on transcript NM_022436.3 (MANE Select); coding-DNA position 78, G replaced by T.
Protein change: p.Glu26Asp; replaces glutamic acid 26 with aspartic acid.
Molecular consequence: missense variant.
Genome position (GRCh38, 1-based): chr2:43,838,602, C>A on the plus strand (G>T on the coding strand, the complement: ABCG5 is on the minus strand). VCF-style: chr2-43838602-C-A. GRCh37 (hg19) VCF-style: chr2-44065741-C-A.
Other names: short protein forms E26D.
Identifiers: ClinVar variation 895030 (VCV000895030.10), dbSNP rs144622073, ClinGen allele CA1636807.

ClinVar aggregate classification (germline): Uncertain significance. Review status: criteria provided, multiple submitters, no conflicts (2 of 4 stars). 5 submissions from 5 submitters: Uncertain significance (5). Last evaluated 2026-09-14.

Conditions:
Sitosterolemia 1. Identifiers: MedGen C2749759, MONDO:0020747, OMIM 210250.
Sitosterolemia 2. Identifiers: MedGen C5231453, MONDO:0020748, OMIM 618666.
ABCG5-related disorder. Also called: ABCG5-related condition.
Cardiovascular phenotype. Identifiers: MedGen CN230736.
Sitosterolemia (STSL). Also called: PHYTOSTEROLEMIA. Identifiers: Orphanet 2882, MedGen C0342907, MONDO:0008863.

Allele frequency attached by ClinVar (database versions not stated): gnomAD exomes 0.00006 and 0.00011; ExAC 0.00011; TOPMed 0.00016; ESP Exome Variant Server 0.00023.
gnomAD v4.1: 172 of 1,611,902 alleles (0.011%); highest among the groups gnomAD compares: Non-Finnish European, 0.014%; no homozygotes.

Submissions (5):

PreventionGenetics, part of Exact Sciences
Classification: Uncertain significance for ABCG5-related condition. Last evaluated: 2026-09-14. Review status: criteria provided, single submitter. Criteria: ACMG Guidelines, 2015. Collection method: clinical testing. Allele origin: germline.
Comment: The ABCG5 c.78G>T variant is predicted to result in the amino acid substitution p.Glu26Asp. This variant was reported in an individual with familial hypercholesterolemia (Supplementary Table 4, Reeskamp et al. 2020. PubMed ID: 32088153). This variant is reported in 0.011% of alleles in individuals of European (Non-Finnish) descent in gnomAD. At this time, the clinical significance of this variant is uncertain due to the absence of conclusive functional and genetic evidence.

Ambry Genetics
Classification: Uncertain significance for Cardiovascular phenotype. Last evaluated: 2024-02-09. Review status: criteria provided, single submitter. Criteria: Ambry Variant Classification Scheme 2023. Collection method: clinical testing. Allele origin: germline.
Comment: The p.E26D variant (also known as c.78G>T), located in coding exon 1 of the ABCG5 gene, results from a G to T substitution at nucleotide position 78. The glutamic acid at codon 26 is replaced by aspartic acid, an amino acid with highly similar properties. This amino acid position is well conserved in available vertebrate species. In addition, this alteration is predicted to be tolerated by in silico analysis. Since supporting evidence is limited at this time, the clinical significance of this alteration remains unclear.

Revvity Omics, Revvity
Classification: Uncertain significance for Sitosterolemia 2. Last evaluated: 2022-09-30. Review status: criteria provided, single submitter. Criteria: ACMG Guidelines, 2015. Collection method: clinical testing. Allele origin: germline.

Labcorp Genetics (formerly Invitae), Labcorp
Classification: Uncertain significance for Sitosterolemia. Last evaluated: 2022-07-04. Review status: criteria provided, single submitter. Criteria: Invitae Variant Classification Sherloc (09022015). Collection method: clinical testing. Allele origin: germline.
Comment: This sequence change replaces glutamic acid, which is acidic and polar, with aspartic acid, which is acidic and polar, at codon 26 of the ABCG5 protein (p.Glu26Asp). This variant is present in population databases (rs144622073, gnomAD 0.01%). This missense change has been observed in individual(s) with features of familial hypercholestrolemia (PMID: 32088153). ClinVar contains an entry for this variant (Variation ID: 895030). Algorithms developed to predict the effect of missense changes on protein structure and function (SIFT, PolyPhen-2, Align-GVGD) all suggest that this variant is likely to be tolerated. In summary, the available evidence is currently insufficient to determine the role of this variant in disease. Therefore, it has been classified as a Variant of Uncertain Significance.

Illumina Laboratory Services, Illumina
Classification: Uncertain significance for Sitosterolemia 1. Last evaluated: 2018-01-13. Review status: criteria provided, single submitter. Criteria: ICSL Variant Classification Criteria 13 December 2019. Collection method: clinical testing. Allele origin: germline.

Literature cited by the submitters: PubMed 32088153 (cited by Labcorp Genetics (formerly Invitae), Labcorp).